The following is an entry in ClinVar:

NM_021116.4(ADCY1):c.1406A>G (p.His469Arg)

Gene: ADCY1 (adenylate cyclase 1; plus strand). Cytogenetic location: 7p12.3.
Variant type: single nucleotide variant.
Coding change: c.1406A>G on transcript NM_021116.4 (MANE Select); coding-DNA position 1406, A replaced by G.
Protein change: p.His469Arg; replaces histidine 469 with arginine.
Molecular consequence: missense variant.
Genome position (GRCh38, 1-based): chr7:45,660,140, A>G. VCF-style: chr7-45660140-A-G. GRCh37 (hg19) VCF-style: chr7-45699739-A-G.
Other names: c.731A>G, p.His244Arg (NM_001281768.2); short protein forms H469R, H244R.
Identifiers: ClinVar variation 667185 (VCV000667185.11), dbSNP rs1055365568, ClinGen allele CA157998945.

ClinVar aggregate classification (germline): Uncertain significance. Review status: criteria provided, multiple submitters, no conflicts (2 of 4 stars). 4 submissions from 4 submitters: Uncertain significance (4). Last evaluated 2026-07-28.

Conditions:
ADCY1-related disorder. Also called: ADCY1-related condition.
Inborn genetic diseases. Identifiers: MedGen C0950123, MeSH D030342.

Allele frequency attached by ClinVar (database versions not stated): gnomAD exomes 0.00001 and below 0.00001; gnomAD 0.00008 and 0.00009; TOPMed 0.00019.
gnomAD v4.1: 28 of 1,614,138 alleles (0.0017%); highest among the groups gnomAD compares: Admixed American, 0.028%; no homozygotes.

Submissions (4):

PreventionGenetics, part of Exact Sciences
Classification: Uncertain significance for ADCY1-related condition. Last evaluated: 2026-07-28. Review status: criteria provided, single submitter. Criteria: ACMG Guidelines, 2015. Collection method: clinical testing. Allele origin: germline.
Comment: The ADCY1 c.1406A>G variant is predicted to result in the amino acid substitution p.His469Arg. To our knowledge, this variant has not been reported in the literature. This variant is reported in 0.0029% of alleles in individuals of Latino descent in gnomAD. At this time, the clinical significance of this variant is uncertain due to the absence of conclusive functional and genetic evidence.

Ambry Genetics
Classification: Uncertain significance for Inborn genetic diseases. Last evaluated: 2023-11-14. Review status: criteria provided, single submitter. Criteria: Ambry Variant Classification Scheme 2023. Collection method: clinical testing. Allele origin: germline.

Labcorp Genetics (formerly Invitae), Labcorp
Classification: Uncertain significance. Last evaluated: 2022-07-23. Review status: criteria provided, single submitter. Criteria: Invitae Variant Classification Sherloc (09022015). Collection method: clinical testing. Allele origin: germline.
Comment: This sequence change replaces histidine, which is basic and polar, with arginine, which is basic and polar, at codon 469 of the ADCY1 protein (p.His469Arg). This variant is present in population databases (no rsID available, gnomAD no frequency). This variant has not been reported in the literature in individuals affected with ADCY1-related conditions. ClinVar contains an entry for this variant (Variation ID: 667185). Algorithms developed to predict the effect of missense changes on protein structure and function are either unavailable or do not agree on the potential impact of this missense change (SIFT: "Deleterious"; PolyPhen-2: "Benign"; Align-GVGD: "Class C0"). In summary, the available evidence is currently insufficient to determine the role of this variant in disease. Therefore, it has been classified as a Variant of Uncertain Significance.

Laboratory for Molecular Medicine, Mass General Brigham Personalized Medicine
Classification: Uncertain significance. Last evaluated: 2019-02-26. Review status: criteria provided, single submitter. Criteria: LMM Criteria. Collection method: clinical testing. Allele origin: germline. Observed: 1 variant allele.
Comment: The p.His469Arg variant in ADCY1 has not been previously reported in individuals with hearing loss, but has been identified in 0.002% (1/34586) of Latino chromosomes by gnomAD. Computational prediction tools and conservation analysis do not provide strong support for or against an impact to the protein. In summary, the clinical significance of the p.His469Arg variant is uncertain. ACMG/AMP Criteria applied: PM2